The following is an entry in ClinVar:

NM_001367721.1(CASK):c.1375G>A (p.Val459Ile)

Gene: CASK (calcium/calmodulin dependent serine protein kinase; minus strand). Cytogenetic location: Xp11.4.
Variant type: single nucleotide variant.
Coding change: c.1375G>A on transcript NM_001367721.1 (MANE Select); coding-DNA position 1375, G replaced by A.
Protein change: p.Val459Ile; replaces valine 459 with isoleucine.
Molecular consequence: missense variant.
Genome position (GRCh38, 1-based): chrX:41,578,468, C>T on the plus strand (G>A on the coding strand, the complement: CASK is on the minus strand). VCF-style: chrX-41578468-C-T. GRCh37 (hg19) VCF-style: chrX-41437721-C-T.
Other names: c.1375G>A, p.Val459Ile (NM_001126054.3, NM_003688.4); c.1357G>A, p.Val453Ile (NM_001126055.3, NM_001410745.1); short protein forms V453I, V459I.
Identifiers: ClinVar variation 4745446 (VCV004745446.1).

ClinVar aggregate classification (germline): Uncertain significance (1 of 4 stars; one submission).

Conditions:
Intellectual disability, CASK-related, X-linked. Identifiers: MedGen CN043158.

Submission:

Labcorp Genetics (formerly Invitae), Labcorp
Classification: Uncertain significance for Intellectual disability, CASK-related, X-linked. Last evaluated: 2026-01-28. Review status: criteria provided, single submitter. Criteria: Invitae Variant Classification Sherloc (09022015). Collection method: clinical testing. Allele origin: germline.
Comment: This sequence change replaces valine, which is neutral and non-polar, with isoleucine, which is neutral and non-polar, at codon 459 of the CASK protein (p.Val459Ile). This variant is not present in population databases (gnomAD no frequency). This variant has not been reported in the literature in individuals affected with CASK-related conditions. Invitae Evidence Modeling of protein sequence and biophysical properties (such as structural, functional, and spatial information, amino acid conservation, physicochemical variation, residue mobility, and thermodynamic stability) indicates that this missense variant is not expected to disrupt CASK protein function with a negative predictive value of 80%. In summary, the available evidence is currently insufficient to determine the role of this variant in disease. Therefore, it has been classified as a Variant of Uncertain Significance.